The following is an entry in ClinVar:

ClinVar aggregate classification (germline): Uncertain significance. Review status: criteria provided, multiple submitters, no conflicts (2 of 4 stars). 2 submissions from 2 submitters: Uncertain significance (2). Last evaluated 2025-09-10.

gnomAD v4.1: 8 of 1,613,982 alleles (0.0005%); highest among the groups gnomAD compares: East Asian, 0.0022%; no homozygotes.

Submissions (2):

Labcorp Genetics (formerly Invitae), Labcorp
Classification: Uncertain significance. Last evaluated: 2025-09-10. Review status: criteria provided, single submitter. Criteria: Invitae Variant Classification Sherloc (09022015). Collection method: clinical testing. Allele origin: germline.
Comment: This sequence change replaces valine, which is neutral and non-polar, with methionine, which is neutral and non-polar, at codon 143 of the IL2RB protein (p.Val143Met). This variant is present in population databases (no rsID available, gnomAD 0.006%). This variant has not been reported in the literature in individuals affected with IL2RB-related conditions. ClinVar contains an entry for this variant (Variation ID: 3285860). An algorithm developed to predict the effect of missense changes on protein structure and function outputs the following: PolyPhen-2: "Benign". The methionine amino acid residue is found in multiple mammalian species, which suggests that this missense change does not adversely affect protein function. In summary, the available evidence is currently insufficient to determine the role of this variant in disease. Therefore, it has been classified as a Variant of Uncertain Significance.

Ambry Genetics
Classification: Uncertain significance. Last evaluated: 2024-04-12. Review status: criteria provided, single submitter. Criteria: Ambry Variant Classification Scheme 2023. Collection method: clinical testing. Allele origin: germline.

NM_000878.5(IL2RB):c.427G>A (p.Val143Met)

Gene: IL2RB (interleukin 2 receptor subunit beta; minus strand). Cytogenetic location: 22q12.3.
Variant type: single nucleotide variant.
Coding change: c.427G>A on transcript NM_000878.5 (MANE Select); coding-DNA position 427, G replaced by A.
Protein change: p.Val143Met; replaces valine 143 with methionine.
Molecular consequence: missense variant.
Genome position (GRCh38, 1-based): chr22:37,137,697, C>T on the plus strand (G>A on the coding strand, the complement: IL2RB is on the minus strand). VCF-style: chr22-37137697-C-T. GRCh37 (hg19) VCF-style: chr22-37533737-C-T.
Other names: c.427G>A, p.Val143Met (NM_001346222.1, NM_001346223.2); short protein forms V143M.
Identifiers: ClinVar variation 3285860 (VCV003285860.2).